The following is an entry in ClinVar:

NM_000238.4(KCNH2):c.1158T>C (p.Pro386=)

Gene: KCNH2 (potassium voltage-gated channel subfamily H member 2; minus strand). Cytogenetic location: 7q36.1.
Variant type: single nucleotide variant.
Coding change: c.1158T>C on transcript NM_000238.4 (MANE Select); coding-DNA position 1158, T replaced by C.
Protein change: p.Pro386=; no amino-acid change (proline 386 retained).
Molecular consequence: synonymous variant. On other transcripts: non-coding transcript variant (2).
Genome position (GRCh38, 1-based): chr7:150,952,824, A>G on the plus strand (T>C on the coding strand, the complement: KCNH2 is on the minus strand). VCF-style: chr7-150952824-A-G. GRCh37 (hg19) VCF-style: chr7-150649912-A-G.
Other names: c.138T>C, p.Pro46= (NM_001204798.2, NM_172057.3); c.870T>C, p.Pro290= (NM_001406753.1, NM_001406756.1); c.981T>C, p.Pro327= (NM_001406755.1); c.858T>C, p.Pro286= (NM_001406757.1); c.1158T>C, p.Pro386= (NM_172056.3).
Identifiers: ClinVar variation 377953 (VCV000377953.18), dbSNP rs749161732, ClinGen allele CA027263.

ClinVar aggregate classification (germline): Likely benign. Review status: criteria provided, multiple submitters, no conflicts (2 of 4 stars). 5 submissions from 5 submitters: Likely benign (5). Last evaluated 2025-10-28.

Conditions:
Long QT syndrome (LQTS). Identifiers: MedGen C0023976, MeSH D008133, MONDO:0002442. Disease mechanism: loss of function. Inheritance: Various modes of inheritance.
Cardiovascular phenotype. Identifiers: MedGen CN230736.
Cardiac arrhythmia. Also called: Cardiac rhythm disease; Arrhythmia. Identifiers: MedGen C0003811, MONDO:0007263, HP:0011675.

Allele frequency attached by ClinVar (database versions not stated): ExAC 0.00001; TOPMed 0.00001; gnomAD 0.00002; gnomAD exomes 0.00002.
gnomAD v4.1: 26 of 1,613,830 alleles (0.0016%); highest among the groups gnomAD compares: Admixed American, 0.005%; no homozygotes.

Submissions (5):

Labcorp Genetics (formerly Invitae), Labcorp
Classification: Likely benign for Long QT syndrome. Last evaluated: 2025-10-28. Review status: criteria provided, single submitter. Criteria: Invitae Variant Classification Sherloc (09022015). Collection method: clinical testing. Allele origin: germline.

Ambry Genetics
Classification: Likely benign for Cardiovascular phenotype. Last evaluated: 2024-06-24. Review status: criteria provided, single submitter. Criteria: Ambry Variant Classification Scheme 2023. Collection method: clinical testing. Allele origin: germline.

All of Us Research Program, National Institutes of Health
Classification: Likely benign for Long QT syndrome. Last evaluated: 2023-08-15. Review status: criteria provided, single submitter. Criteria: ACMG Guidelines, 2015. Collection method: clinical testing. Allele origin: germline. Inheritance: Autosomal dominant inheritance. Observed: 2 variant alleles, 2 heterozygotes.
Comment: This study involves interpretation of variants in research participants for the purpose of population health screening. Participant phenotype was not available at the time of variant classification. Additional details can be found in publication PMID: 35346344, PMCID: PMC8962531

Color Diagnostics, LLC DBA Color Health
Classification: Likely benign for Arrhythmia. Last evaluated: 2019-05-28. Review status: criteria provided, single submitter. Criteria: ACMG Guidelines, 2015. Collection method: clinical testing. Allele origin: germline.

GeneDx
Classification: Likely benign. Last evaluated: 2016-07-05. Review status: criteria provided, single submitter. Criteria: GeneDx Variant Classification (06012015). Collection method: clinical testing. Allele origin: germline. Affected: yes.
Comment: This variant is considered likely benign or benign based on one or more of the following criteria: it is a conservative change, it occurs at a poorly conserved position in the protein, it is predicted to be benign by multiple in silico algorithms, and/or has population frequency not consistent with disease.